The following is an entry in ClinVar:

NM_022725.4(FANCF):c.301C>T (p.Arg101Trp)

Gene: FANCF (FA complementation group F; minus strand). Cytogenetic location: 11p14.3.
Variant type: single nucleotide variant.
Coding change: c.301C>T on transcript NM_022725.4 (MANE Select); coding-DNA position 301, C replaced by T.
Protein change: p.Arg101Trp; replaces arginine 101 with tryptophan.
Molecular consequence: missense variant.
Genome position (GRCh38, 1-based): chr11:22,625,510, G>A on the plus strand (C>T on the coding strand, the complement: FANCF is on the minus strand). VCF-style: chr11-22625510-G-A. GRCh37 (hg19) VCF-style: chr11-22647056-G-A.
Other names: short protein forms R101W.
Identifiers: ClinVar variation 1338057 (VCV001338057.5), dbSNP rs760571335, ClinGen allele CA5924378.

ClinVar aggregate classification (germline): Uncertain significance. Review status: criteria provided, multiple submitters, no conflicts (2 of 4 stars). 2 submissions from 2 submitters: Uncertain significance (2). Last evaluated 2025-08-11.

Conditions:
Inborn genetic diseases. Identifiers: MedGen C0950123, MeSH D030342.

Allele frequency attached by ClinVar (database versions not stated): ExAC 0.00001.
gnomAD v4.1: 1 of 1,614,194 alleles (0.000062%); highest among the groups gnomAD compares: Non-Finnish European, 0.000085%; no homozygotes.

Submissions (2):

Ambry Genetics
Classification: Uncertain significance for Inborn genetic diseases. Last evaluated: 2025-08-11. Review status: criteria provided, single submitter. Criteria: Ambry Variant Classification Scheme 2023. Collection method: clinical testing. Allele origin: germline.

Genetic Services Laboratory, University of Chicago
Classification: Uncertain significance. Last evaluated: 2021-09-01. Review status: criteria provided, single submitter. Criteria: ACMG Guidelines, 2015. Collection method: clinical testing. Allele origin: germline. Affected: no.
Comment: DNA sequence analysis of the FANCF gene demonstrated a sequence change, c.301C>T, in exon 1 that results in an amino acid change, p.Arg101Trp. This sequence change has been described in the gnomAD database in one heterozygous individual which corresponds to a population frequency of 0.0004% (dbSNP rs760571335). The p.Arg101Trp change affects a moderately conserved amino acid residue located in a domain of the FANCF protein that is not known to be functional. In-silico pathogenicity prediction tools (SIFT, PolyPhen2, Align GVGD, REVEL) provide contradictory results for the p.Arg101Trp substitution. This sequence change does not appear to have been previously described in individuals with FANCF-related disorders. Due to insufficient evidences and the lack of functional studies, the clinical significance of the p.Arg101Trp change remains unknown at this time.